The following is an entry in ClinVar:

NM_001041.4(SI):c.1043C>T (p.Pro348Leu)

Gene: SI (sucrase-isomaltase; minus strand). Cytogenetic location: 3q26.1.
Variant type: single nucleotide variant.
Coding change: c.1043C>T on transcript NM_001041.4 (MANE Select); coding-DNA position 1043, C replaced by T.
Protein change: p.Pro348Leu; replaces proline 348 with leucine.
Molecular consequence: missense variant.
Genome position (GRCh38, 1-based): chr3:165,060,005, G>A on the plus strand (C>T on the coding strand, the complement: SI is on the minus strand). VCF-style: chr3-165060005-G-A. GRCh37 (hg19) VCF-style: chr3-164777793-G-A.
Other names: short protein forms P348L.
Identifiers: ClinVar variation 344061 (VCV000344061.18), dbSNP rs77546399, ClinGen allele CA2691199.

ClinVar aggregate classification (germline): Conflicting classifications of pathogenicity. Review status: criteria provided, conflicting classifications (1 of 4 stars). 5 submissions from 5 submitters: Uncertain significance (3); Likely benign (1). 1 of the submissions does not count toward it. Last evaluated 2026-02-03.

Conditions:
SI-related disorder. Also called: SI-related condition.
Sucrase-isomaltase deficiency (CSID). Also called: SI DEFICIENCY; Deficiency of isomaltase; Congenital sucrose isomaltose malabsorption; Sucrose isomaltose enzyme deficiency. Identifiers: Orphanet 35122, MedGen C1283620, MONDO:0009114, OMIM 222900.

Allele frequency attached by ClinVar (database versions not stated): 1000 Genomes Project 30x 0.00016; 1000 Genomes Project 0.00020; TOPMed 0.00112; gnomAD exomes 0.00122 and 0.00206; ESP Exome Variant Server 0.00131; gnomAD 0.00132 and 0.00138; ExAC 0.00136.

Submissions (5):

Labcorp Genetics (formerly Invitae), Labcorp
Classification: Likely benign. Last evaluated: 2026-02-03. Review status: criteria provided, single submitter. Criteria: Invitae Variant Classification Sherloc (09022015). Collection method: clinical testing. Allele origin: germline.

GeneDx
Classification: Uncertain significance. Last evaluated: 2025-05-04. Review status: criteria provided, single submitter. Criteria: GeneDx Variant Classification Process June 2021. Collection method: clinical testing. Allele origin: germline. Affected: yes.
Comment: Reported as homozygous or heterozygous without a second variant in SI in individuals with abnormal sucrase activity and in individuals with irritable bowel syndrome in published literature (PMID: 32732636, 29408290); In silico analysis supports that this missense variant has a deleterious effect on protein structure/function; This variant is associated with the following publications: (PMID: 31597922, 29408290, 36878682, 32732636)

Baylor Genetics
Classification: Uncertain significance for Sucrase-isomaltase deficiency. Last evaluated: 2018-09-26. Review status: criteria provided, single submitter. Criteria: ACMG Guidelines, 2015. Collection method: clinical testing. Allele origin: maternal. Affected: yes.
Comment: This variant was determined to be of uncertain significance according to ACMG Guidelines, 2015 [PMID:25741868].

Illumina Laboratory Services, Illumina
Classification: Uncertain significance for Sucrase-isomaltase deficiency. Last evaluated: 2018-01-13. Review status: criteria provided, single submitter. Criteria: ICSL Variant Classification Criteria 13 December 2019. Collection method: clinical testing. Allele origin: germline.

PreventionGenetics, part of Exact Sciences
Classification: Uncertain significance for SI-related condition. Last evaluated: 2024-04-30. Review status: no assertion criteria provided. Collection method: clinical testing. Allele origin: germline. Not counted in ClinVar's aggregate classification.
Comment: The SI c.1043C>T variant is predicted to result in the amino acid substitution p.Pro348Leu. This variant has been reported in the heterozygous state in twelve individuals from a large IBS cohort (Garcia-Etxebarria et al. 2018. PubMed ID: 29408290). It has also been reported in the heterozygous and homozygous states in multiple individuals with functional gastrointestinal disorders and sucrase deficiency (Deb et al. 2021. PubMed ID: 32732636). This variant is reported in 0.23% of alleles in individuals of European (Non-Finnish) descent in gnomAD. At this time, the clinical significance of this variant is uncertain due to the absence of conclusive functional and genetic evidence.